The following is an entry in ClinVar:

NM_018684.4(ZC4H2):c.412C>T (p.Gln138Ter)

Gene: ZC4H2 (zinc finger C4H2-type containing; minus strand). Cytogenetic location: Xq11.2.
Variant type: single nucleotide variant.
Coding change: c.412C>T on transcript NM_018684.4 (MANE Select); coding-DNA position 412, C replaced by T.
Protein change: p.Gln138Ter; replaces glutamine 138 with a stop codon.
Molecular consequence: nonsense. On other transcripts: non-coding transcript variant (1), intron variant (1).
Genome position (GRCh38, 1-based): chrX:64,919,191, G>A on the plus strand (C>T on the coding strand, the complement: ZC4H2 is on the minus strand). VCF-style: chrX-64919191-G-A. GRCh37 (hg19) VCF-style: chrX-64139071-G-A.
Other names: c.343C>T, p.Gln115Ter (NM_001178032.3, NM_001243804.2); c.398+890C>T (NM_001178033.3); short protein forms Q115*, Q138*.
Identifiers: ClinVar variation 689619 (VCV000689619.3), dbSNP rs1602379828, ClinGen allele CA413411630.

ClinVar aggregate classification (germline): Pathogenic. Review status: criteria provided, multiple submitters, no conflicts (2 of 4 stars). 2 submissions from 2 submitters: Pathogenic (2). Last evaluated 2019-04-04.

Conditions:
Wieacker-Wolff syndrome. Also called: APRAXIA, OCULOMOTOR, WITH CONGENITAL CONTRACTURES AND MUSCLE ATROPHY; CONTRACTURES OF FEET, MUSCLE ATROPHY, AND OCULOMOTOR APRAXIA; MENTAL RETARDATION, X-LINKED, SYNDROMIC 4; MENTAL RETARDATION, X-LINKED, WITH CONGENITAL CONTRACTURES AND LOW FINGERTIP ARCHES; Wieacker-Wolff, X-linked recessive; Intellectual disability-developmental delay-contractures syndrome. Identifiers: Orphanet 3454, Orphanet 85283, MedGen C0796200, MONDO:0010758, OMIM 314580.

Submissions (2):

HudsonAlpha Institute for Biotechnology
Classification: Pathogenic for Wieacker-Wolff syndrome. Last evaluated: 2019-04-04. Review status: criteria provided, single submitter. Criteria: ACMG Guidelines, 2015. Collection method: research. Allele origin: maternal. Affected: yes. Observed: 1 variant allele. Study: CSER-SouthSeq.
Comment: ACMG codes: PVS1, PM2, PP4

GeneDx
Classification: Pathogenic. Last evaluated: 2019-02-25. Review status: criteria provided, single submitter. Criteria: GeneDx Variant Classification (06012015). Collection method: clinical testing. Allele origin: germline. Affected: yes.
Comment: The Q138X variant in the ZC4H2 gene has not been reported previously as a pathogenic variant nor as a benign variant, to our knowledge. This variant is predicted to cause loss of normal protein function either through protein truncation or nonsense-mediated mRNA decay. The Q138X variant is not observed in large population cohorts (Lek et al., 2016). We interpret Q138X as a pathogenic variant.